The following is an entry in ClinVar:

NM_005477.3(HCN4):c.978C>G (p.Ile326Met)

Genes: HCN4 (hyperpolarization activated cyclic nucleotide gated potassium channel 4; minus strand), LOC105370890 (uncharacterized LOC105370890; plus strand), LOC126862173 (CDK7 strongly-dependent group 2 enhancer GRCh37_chr15:73635762-73636961; plus strand). Cytogenetic location: 15q24.1.
Variant type: single nucleotide variant.
Coding change: c.978C>G on transcript NM_005477.3 (MANE Select); coding-DNA position 978, C replaced by G.
Protein change: p.Ile326Met; replaces isoleucine 326 with methionine.
Molecular consequence: missense variant.
Genome position (GRCh38, 1-based): chr15:73,343,616, G>C on the plus strand (C>G on the coding strand, the complement: HCN4 is on the minus strand). VCF-style: chr15-73343616-G-C. GRCh37 (hg19) VCF-style: chr15-73635957-G-C.
Other names: short protein forms I326M.
Identifiers: ClinVar variation 2852184 (VCV002852184.3), dbSNP rs2549074814, ClinGen allele CA393095120.

ClinVar aggregate classification (germline): Uncertain significance (1 of 4 stars; one submission).

Conditions:
Brugada syndrome 8 (BRGDA8). Identifiers: Orphanet 130, MedGen C2751083, MONDO:0013148, OMIM 613123.

Submission:

Labcorp Genetics (formerly Invitae), Labcorp
Classification: Uncertain significance for Brugada syndrome 8. Last evaluated: 2023-04-06. Review status: criteria provided, single submitter. Criteria: Invitae Variant Classification Sherloc (09022015). Collection method: clinical testing. Allele origin: germline.
Comment: This sequence change replaces isoleucine, which is neutral and non-polar, with methionine, which is neutral and non-polar, at codon 326 of the HCN4 protein (p.Ile326Met). This variant is not present in population databases (gnomAD no frequency). This variant has not been reported in the literature in individuals affected with HCN4-related conditions. Advanced modeling of protein sequence and biophysical properties (such as structural, functional, and spatial information, amino acid conservation, physicochemical variation, residue mobility, and thermodynamic stability) performed at Invitae indicates that this missense variant is expected to disrupt HCN4 protein function. In summary, the available evidence is currently insufficient to determine the role of this variant in disease. Therefore, it has been classified as a Variant of Uncertain Significance.